The following is an entry in ClinVar:

ClinVar aggregate classification (germline): Uncertain significance (1 of 4 stars; one submission).

gnomAD v4.1: 6 of 1,612,228 alleles (0.00037%); highest among the groups gnomAD compares: African/African-American, 0.0053%; no homozygotes.

Submission:

Labcorp Genetics (formerly Invitae), Labcorp
Classification: Uncertain significance. Last evaluated: 2023-02-08. Review status: criteria provided, single submitter. Criteria: Invitae Variant Classification Sherloc (09022015). Collection method: clinical testing. Allele origin: germline.
Comment: This sequence change replaces valine, which is neutral and non-polar, with isoleucine, which is neutral and non-polar, at codon 372 of the RELB protein (p.Val372Ile). This variant is present in population databases (rs749105163, gnomAD 0.01%). This variant has not been reported in the literature in individuals affected with RELB-related conditions. Algorithms developed to predict the effect of missense changes on protein structure and function output the following: SIFT: "Tolerated"; PolyPhen-2: "Benign"; Align-GVGD: "Class C0". The isoleucine amino acid residue is found in multiple mammalian species, which suggests that this missense change does not adversely affect protein function. In summary, the available evidence is currently insufficient to determine the role of this variant in disease. Therefore, it has been classified as a Variant of Uncertain Significance.

NM_006509.4(RELB):c.1114G>A (p.Val372Ile)

Gene: RELB (RELB proto-oncogene, NF-kB subunit; plus strand). Cytogenetic location: 19q13.32.
Variant type: single nucleotide variant.
Coding change: c.1114G>A on transcript NM_006509.4 (MANE Select); coding-DNA position 1114, G replaced by A.
Protein change: p.Val372Ile; replaces valine 372 with isoleucine.
Molecular consequence: missense variant.
Genome position (GRCh38, 1-based): chr19:45,032,656, G>A. VCF-style: chr19-45032656-G-A. GRCh37 (hg19) VCF-style: chr19-45535914-G-A.
Other names: c.1105G>A, p.Val369Ile (NM_001411087.1); short protein forms V372I, V369I.
Identifiers: ClinVar variation 2902135 (VCV002902135.3), dbSNP rs749105163, ClinGen allele CA9507742.
Genomic context (GRCh38, chr19:45,032,656, plus strand): 5'-GACGTGCACCGCCAGATTGCCATTGTGTTCAAGACGCCGCCCTACGAGGACCTGGAGATT[G>A]TCGAGCCCGTGACAGTCAACGTCTTCCTGCAGCGGCTCACCGATGGGGTCTGCAGCGAGC-3'
Protein context (NP_006500.2, residues 362-382): KTPPYEDLEI[Val372Ile]EPVTVNVFLQ